The following is an entry in ClinVar:

NM_001300759.2(TRIM36):c.666G>A (p.Leu222=)

Gene: TRIM36 (tripartite motif containing 36; minus strand). Cytogenetic location: 5q22.3.
Variant type: single nucleotide variant.
Coding change: c.666G>A on transcript NM_001300759.2 (MANE Select); coding-DNA position 666, G replaced by A.
Protein change: p.Leu222=; no amino-acid change (leucine 222 retained).
Molecular consequence: synonymous variant.
Genome position (GRCh38, 1-based): chr5:115,144,667, C>T on the plus strand (G>A on the coding strand, the complement: TRIM36 is on the minus strand). VCF-style: chr5-115144667-C-T. GRCh37 (hg19) VCF-style: chr5-114480364-C-T.
Other names: NC_000005.9:g.114480364C>T; c.237G>A, p.Leu79= (NM_001300752.2); c.702G>A, p.Leu234= (NM_018700.4).
Identifiers: ClinVar variation 3060373 (VCV003060373.3), dbSNP rs7716270, ClinGen allele CA3373602.

ClinVar aggregate classification (germline): Benign (0 of 4 stars; one submission).

Conditions:
TRIM36-related disorder. Also called: TRIM36-related condition.

Allele frequency attached by ClinVar (database versions not stated): ExAC 0.19526; ESP Exome Variant Server 0.23908; gnomAD 0.25025; TOPMed 0.26977; 1000 Genomes Project 0.34026; 1000 Genomes Project 30x 0.34338.
gnomAD v4.1: 229,939 of 1,613,728 alleles (14%); highest among the groups gnomAD compares: African/African-American, 54%; 26,765 homozygotes.

Submissions (2):

PreventionGenetics, part of Exact Sciences
Classification: Benign for TRIM36-related condition. Last evaluated: 2019-11-04. Review status: no assertion criteria provided. Collection method: clinical testing. Allele origin: germline.
Comment: This variant is classified as benign based on ACMG/AMP sequence variant interpretation guidelines (Richards et al. 2015 PMID: 25741868, with internal and published modifications).

Dr. Peter K. Rogan Lab, Western University
No classification provided (evidence only). Condition: Malignant lymphoma, large B-cell, diffuse. Review status: no classification provided. Collection method: in vitro. Allele origin: not applicable. Functional consequence: retained intron. Not counted in ClinVar's aggregate classification.